The following is an entry in ClinVar:

ClinVar aggregate classification (germline): Uncertain significance. Review status: criteria provided, multiple submitters, no conflicts (2 of 4 stars). 2 submissions from 2 submitters: Uncertain significance (2). Last evaluated 2023-02-06.

Conditions:
Hearing loss, autosomal recessive 57. Also called: DEAFNESS, AUTOSOMAL RECESSIVE 57. Identifiers: MedGen C4693893, MONDO:0033201, OMIM 618003.
Usher syndrome, type IIC, GPR98/PDZD7 digenic. Also called: Usher syndrome, type 2C, GPR98/PDZD7 digenic. Identifiers: MedGen C3148929.

Submissions (2):

GeneDx
Classification: Uncertain significance. Last evaluated: 2023-02-06. Review status: criteria provided, single submitter. Criteria: GeneDx Variant Classification Process June 2021. Collection method: clinical testing. Allele origin: germline. Affected: yes.
Comment: Not observed at significant frequency in large population cohorts (gnomAD); In silico analysis supports that this missense variant has a deleterious effect on protein structure/function; Has not been previously published as pathogenic or benign to our knowledge

Labcorp Genetics (formerly Invitae), Labcorp
Classification: Uncertain significance. Last evaluated: 2022-03-19. Review status: criteria provided, single submitter. Criteria: Invitae Variant Classification Sherloc (09022015). Collection method: clinical testing. Allele origin: germline.
Comment: This sequence change replaces arginine, which is basic and polar, with serine, which is neutral and polar, at codon 56 of the PDZD7 protein (p.Arg56Ser). This variant is not present in population databases (gnomAD no frequency). This variant has not been reported in the literature in individuals affected with PDZD7-related conditions. Algorithms developed to predict the effect of missense changes on protein structure and function are either unavailable or do not agree on the potential impact of this missense change (SIFT: "Deleterious"; PolyPhen-2: "Not Available"; Align-GVGD: "Class C0"). In summary, the available evidence is currently insufficient to determine the role of this variant in disease. Therefore, it has been classified as a Variant of Uncertain Significance.

NM_001195263.2(PDZD7):c.166C>A (p.Arg56Ser)

Gene: PDZD7 (PDZ domain containing 7; minus strand). Cytogenetic location: 10q24.31.
Variant type: single nucleotide variant.
Coding change: c.166C>A on transcript NM_001195263.2 (MANE Select); coding-DNA position 166, C replaced by A.
Protein change: p.Arg56Ser; replaces arginine 56 with serine.
Molecular consequence: missense variant.
Genome position (GRCh38, 1-based): chr10:101,030,054, G>T on the plus strand (C>A on the coding strand, the complement: PDZD7 is on the minus strand). VCF-style: chr10-101030054-G-T. GRCh37 (hg19) VCF-style: chr10-102789811-G-T.
Other names: c.166C>A, p.Arg56Ser (NM_001351044.2, NM_024895.5); c.166C>A (NM_001195263.1); short protein forms R56S.
Identifiers: ClinVar variation 1977364 (VCV001977364.4), dbSNP rs765884556, ClinGen allele CA378231270.